The following is an entry in ClinVar:

ClinVar aggregate classification (germline): Uncertain significance (1 of 4 stars; one submission).

Conditions:
Gastrointestinal stromal tumor. Also called: Gastrointestinal stroma tumor; Gastrointestinal stromal tumor, somatic. Identifiers: Orphanet 44890, MedGen C0238198, MeSH D046152, MONDO:0011719, OMIM 606764, HP:0100723.

Submission:

Labcorp Genetics (formerly Invitae), Labcorp
Classification: Uncertain significance for Gastrointestinal stromal tumor. Last evaluated: 2016-09-03. Review status: criteria provided, single submitter. Criteria: Invitae Variant Classification Sherloc (09022015). Collection method: clinical testing. Allele origin: germline.
Comment: Algorithms developed to predict the effect of missense changes on protein structure and function output the following: (SIFT: "Tolerated"; PolyPhen-2: "Benign"; Align-GVGD: "Class C0"). The threonine amino acid residue is also found in multiple mammalian species, suggesting that this missense change does not adversely affect protein function. These predictions have not been confirmed by published functional studies. This variant is not present in population databases (ExAC no frequency) and has not been reported in the literature in individuals with a PDGFRA-related disease. This sequence change replaces serine with threonine at codon 88 of the PDGFRA protein (p.Ser88Thr). The serine residue is weakly conserved and there is a small physicochemical difference between serine and threonine. In summary, this variant is a novel missense change that is not predicted to affect protein function. There is no indication that it causes disease, but the available evidence is currently insufficient to prove that conclusively. Therefore, it has been classified as a Variant of Uncertain Significance.

NM_006206.6(PDGFRA):c.263G>C (p.Ser88Thr)

Gene: PDGFRA (platelet derived growth factor receptor alpha; plus strand). Cytogenetic location: 4q12.
Variant type: single nucleotide variant.
Coding change: c.263G>C on transcript NM_006206.6 (MANE Select); coding-DNA position 263, G replaced by C.
Protein change: p.Ser88Thr; replaces serine 88 with threonine.
Molecular consequence: missense variant.
Genome position (GRCh38, 1-based): chr4:54,261,308, G>C. VCF-style: chr4-54261308-G-C. GRCh37 (hg19) VCF-style: chr4-55127475-G-C.
Other names: c.263G>C, p.Ser88Thr (NM_001347827.2, NM_001347829.2); c.338G>C, p.Ser113Thr (NM_001347828.2); c.302G>C, p.Ser101Thr (NM_001347830.2); short protein forms S88T, S113T, S101T.
Identifiers: ClinVar variation 407427 (VCV000407427.9), dbSNP rs1060501515, ClinGen allele CA16611631.